The following is an entry in ClinVar:

ClinVar aggregate classification (germline): Uncertain significance (1 of 4 stars; one submission).

gnomAD v4.1: 1 of 1,613,962 alleles (0.000062%); highest among the groups gnomAD compares: East Asian, 0.0022%; no homozygotes.

Submission:

Labcorp Genetics (formerly Invitae), Labcorp
Classification: Uncertain significance. Last evaluated: 2024-12-31. Review status: criteria provided, single submitter. Criteria: Invitae Variant Classification Sherloc (09022015). Collection method: clinical testing. Allele origin: germline.
Comment: This sequence change replaces valine, which is neutral and non-polar, with alanine, which is neutral and non-polar, at codon 453 of the HMCN1 protein (p.Val453Ala). This variant is not present in population databases (gnomAD no frequency). This variant has not been reported in the literature in individuals affected with HMCN1-related conditions. An algorithm developed to predict the effect of missense changes on protein structure and function (PolyPhen-2) suggests that this variant is likely to be tolerated. In summary, the available evidence is currently insufficient to determine the role of this variant in disease. Therefore, it has been classified as a Variant of Uncertain Significance.

NM_031935.3(HMCN1):c.1358T>C (p.Val453Ala)

Gene: HMCN1 (hemicentin 1; plus strand). Cytogenetic location: 1q31.1.
Variant type: single nucleotide variant.
Coding change: c.1358T>C on transcript NM_031935.3 (MANE Select); coding-DNA position 1358, T replaced by C.
Protein change: p.Val453Ala; replaces valine 453 with alanine.
Molecular consequence: missense variant.
Genome position (GRCh38, 1-based): chr1:185,925,119, T>C. VCF-style: chr1-185925119-T-C. GRCh37 (hg19) VCF-style: chr1-185894251-T-C.
Other names: short protein forms V453A.
Identifiers: ClinVar variation 3727595 (VCV003727595.2).